The following is an entry in ClinVar:

ClinVar aggregate classification (germline): Benign (1 of 4 stars; one submission).

Allele frequency attached by ClinVar (database versions not stated): TOPMed 0.30300; gnomAD 0.30618; 1000 Genomes Project 30x 0.32573; 1000 Genomes Project 0.33247; gnomAD exomes 0.34000.
gnomAD v4.1: 480,531 of 1,427,880 alleles (34%); highest among the groups gnomAD compares: East Asian, 53%; 82,840 homozygotes.

Submission:

Unidad de Genómica Garrahan, Hospital de Pediatría Garrahan
Classification: Benign. Last evaluated: 2024-01-24. Review status: criteria provided, single submitter. Criteria: ACMG Guidelines, 2015. Collection method: clinical testing. Allele origin: germline. Affected: no. Observed: 59 variant alleles.
Comment: This variant is classified as Benign based on local population frequency. This variant was detected in 62% of patients studied by a panel of primary immunodeficiencies. Number of patients: 59. Only high quality variants are reported.

NM_015274.3(MAN2B2):c.391+58A>G

Gene: MAN2B2 (mannosidase alpha class 2B member 2; plus strand). Cytogenetic location: 4p16.1.
Variant type: single nucleotide variant.
Coding change: c.391+58A>G on transcript NM_015274.3 (MANE Select); 58 bases into the intron after coding-DNA position 391, A replaced by G.
Molecular consequence: intron variant.
Genome position (GRCh38, 1-based): chr4:6,578,556, A>G. VCF-style: chr4-6578556-A-G. GRCh37 (hg19) VCF-style: chr4-6580283-A-G.
Other names: c.391+58A>G (NM_001292038.2).
Identifiers: ClinVar variation 2688059 (VCV002688059.2), dbSNP rs3764809, ClinGen allele CA11744360.
Genomic context (GRCh38, chr4:6,578,556, plus strand): 5'-CAGGTTTGGCCACCCTACCCTGCACCCAGGGTCCCTCAGGACCTCCAGTGGGGCTGGGAC[A>G]TGGTATCAGAACCCCCAGGTTCTGAGCTCTGTCTGCCCCTCTTAGTGGGGTCGGGGACCT-3'